The following is an entry in ClinVar:

ClinVar aggregate classification (germline): Likely benign (1 of 4 stars; one submission).

Allele frequency attached by ClinVar (database versions not stated): gnomAD exomes below 0.00001.

Submission:

GeneDx
Classification: Likely benign. Last evaluated: 2017-05-19. Review status: criteria provided, single submitter. Criteria: GeneDx Variant Classification (06012015). Collection method: clinical testing. Allele origin: germline. Affected: yes.
Comment: This variant is considered likely benign or benign based on one or more of the following criteria: it is a conservative change, it occurs at a poorly conserved position in the protein, it is predicted to be benign by multiple in silico algorithms, and/or has population frequency not consistent with disease.

NM_021971.4(GMPPB):c.561+15G>A

Gene: GMPPB (GDP-mannose pyrophosphorylase B; minus strand). Cytogenetic location: 3p21.31.
Variant type: single nucleotide variant.
Coding change: c.561+15G>A on transcript NM_021971.4 (MANE Select); 15 bases into the intron after coding-DNA position 561, G replaced by A.
Molecular consequence: intron variant.
Genome position (GRCh38, 1-based): chr3:49,722,581, C>T on the plus strand (G>A on the coding strand, the complement: GMPPB is on the minus strand). VCF-style: chr3-49722581-C-T. GRCh37 (hg19) VCF-style: chr3-49760014-C-T.
Other names: c.561+15G>A (NM_013334.4).
Identifiers: ClinVar variation 517864 (VCV000517864.1), dbSNP rs1553691869, ClinGen allele CA658796324.